The following is an entry in ClinVar:

ClinVar aggregate classification (germline): Uncertain significance (1 of 4 stars; one submission).

Conditions:
Catecholaminergic polymorphic ventricular tachycardia (CVPT). Also called: Catecholamine-induced polymorphic ventricular tachycardia. Identifiers: Orphanet 3286, MedGen C5574922, MONDO:0017990.

Allele frequency attached by ClinVar (database versions not stated): gnomAD exomes below 0.00001.
gnomAD v4.1: 1 of 1,613,726 alleles (0.000062%); highest among the groups gnomAD compares: Non-Finnish European, 0.000085%; no homozygotes.

Submission:

All of Us Research Program, National Institutes of Health
Classification: Uncertain significance for Catecholaminergic polymorphic ventricular tachycardia. Last evaluated: 2023-04-03. Review status: criteria provided, single submitter. Criteria: ACMG Guidelines, 2015. Collection method: clinical testing. Allele origin: germline. Inheritance: Autosomal dominant inheritance. Observed: 1 variant allele, 1 heterozygote.
Comment: This missense variant replaces valine with leucine at codon 260 of the RYR2 protein. Computational prediction suggests that this variant may have deleterious impact on protein structure and function (internally defined REVEL score threshold >= 0.7, PMID: 27666373). To our knowledge, functional studies have not been reported for this variant. This variant has not been reported in individuals affected with RYR2-related disorders in the literature. This variant has not been identified in the general population by the Genome Aggregation Database (gnomAD). The available evidence is insufficient to determine the role of this variant in disease conclusively. Therefore, this variant is classified as a Variant of Uncertain Significance.

This study involves interpretation of variants in research participants for the purpose of population health screening. Participant phenotype was not available at the time of variant classification. Additional details can be found in publication PMID: 35346344, PMCID: PMC8962531

NM_001035.3(RYR2):c.778G>C (p.Val260Leu)

Gene: RYR2 (ryanodine receptor 2; plus strand). Cytogenetic location: 1q43.
Variant type: single nucleotide variant.
Coding change: c.778G>C on transcript NM_001035.3 (MANE Select); coding-DNA position 778, G replaced by C.
Protein change: p.Val260Leu; replaces valine 260 with leucine.
Molecular consequence: missense variant.
Genome position (GRCh38, 1-based): chr1:237,417,053, G>C. VCF-style: chr1-237417053-G-C. GRCh37 (hg19) VCF-style: chr1-237580353-G-C.
Other names: short protein forms V260L.
Identifiers: ClinVar variation 3070295 (VCV003070295.1), dbSNP rs2150028634, ClinGen allele CA345383545.
Genomic context (GRCh38, chr1:237,417,053, plus strand): 5'-CAAAGAATGAAACATGTTTAACTCACATTTGGGCTTTTGTTTGTTTGTTGAAACAGAACT[G>C]TTCATTATGAAGGTGGCGCTGTGTCTGTTCATGCACGTTCCCTTTGGAGACTAGAGACGC-3'
Protein context (NP_001026.2, residues 250-270): GEHGEEQRRT[Val260Leu]HYEGGAVSVH